The following is an entry in ClinVar:

NM_003072.5(SMARCA4):c.4872G>T (p.Pro1624=)

Gene: SMARCA4 (SWI/SNF related BAF chromatin remodeling complex subunit ATPase 4; plus strand). Cytogenetic location: 19p13.2.
Variant type: single nucleotide variant.
Coding change: c.4872G>T on transcript NM_003072.5 (MANE Select); coding-DNA position 4872, G replaced by T.
Protein change: p.Pro1624=; no amino-acid change (proline 1624 retained).
Molecular consequence: synonymous variant. On other transcripts: non-coding transcript variant (1).
Genome position (GRCh38, 1-based): chr19:11,060,148, G>T. VCF-style: chr19-11060148-G-T. GRCh37 (hg19) VCF-style: chr19-11170824-G-T.
Other names: c.4872G>T, p.Pro1624= (NM_001128844.3); c.4782G>T, p.Pro1594= (NM_001128845.2); c.4779G>T, p.Pro1593= (NM_001128846.2); c.4773G>T, p.Pro1591= (NM_001128847.4, NM_001374457.1); c.4770G>T, p.Pro1590= (NM_001128848.2); c.4968G>T, p.Pro1656= (NM_001128849.3, NM_001387283.1).
Identifiers: ClinVar variation 484837 (VCV000484837.22), dbSNP rs182644267, ClinGen allele CA505495501.

ClinVar aggregate classification (germline): Conflicting classifications of pathogenicity. Review status: criteria provided, conflicting classifications (1 of 4 stars). 5 submissions from 5 submitters: Uncertain significance (1); Benign (1); Likely benign (3). Last evaluated 2026-07-27.

Conditions:
Hereditary cancer-predisposing syndrome. Also called: Tumor predisposition; Neoplastic Syndromes, Hereditary; Hereditary Cancer Syndrome; Hereditary neoplastic syndrome. Identifiers: Orphanet 140162, MedGen C0027672, MeSH D009386, MONDO:0015356.
Intellectual disability, autosomal dominant 16 (CSS4). Also called: COFFIN-SIRIS SYNDROME 4. Identifiers: Orphanet 1465, MedGen C3553249, MONDO:0013821, OMIM 614609.
Rhabdoid tumor predisposition syndrome 2 (RTPS2). Identifiers: Orphanet 231108, Orphanet 69077, MedGen C2750074, MONDO:0013224, OMIM 613325.

gnomAD v4.1: 3 of 1,551,214 alleles (0.00019%); highest among the groups gnomAD compares: Admixed American, 0.0059%; no homozygotes.

Submissions (5):

Myriad Genetics, Inc.
Classification: Benign for Rhabdoid tumor predisposition syndrome 2. Last evaluated: 2026-07-27. Review status: criteria provided, single submitter. Criteria: Myriad Autosomal Dominant, Autosomal Recessive and X-Linked Classification Criteria (2023). Collection method: clinical testing. Allele origin: unknown.
Comment: This variant is considered benign. This variant is a silent/synonymous amino acid change and it is not expected to impact splicing.

Labcorp Genetics (formerly Invitae), Labcorp
Classification: Likely benign for Rhabdoid tumor predisposition syndrome 2. Last evaluated: 2025-11-19. Review status: criteria provided, single submitter. Criteria: Invitae Variant Classification Sherloc (09022015). Collection method: clinical testing. Allele origin: germline.

Genome-Nilou Lab
Classification: Likely benign for Intellectual disability, autosomal dominant 16. Last evaluated: 2021-07-15. Review status: criteria provided, single submitter. Criteria: ACMG Guidelines, 2015. Collection method: clinical testing. Allele origin: germline. Affected: no.

Ambry Genetics
Classification: Likely benign for Hereditary cancer-predisposing syndrome. Last evaluated: 2017-02-06. Review status: criteria provided, single submitter. Criteria: Ambry Variant Classification Scheme 2023. Collection method: clinical testing. Allele origin: germline.

Eurofins Ntd Llc (ga)
Classification: Uncertain significance. Last evaluated: 2016-10-27. Review status: criteria provided, single submitter. Criteria: EGL Classification Definitions 2015. Collection method: clinical testing. Allele origin: germline. Observed: 1 variant allele, 1 heterozygote.